The following is an entry in ClinVar:

NM_020461.4(TUBGCP6):c.2570G>T (p.Gly857Val)

Gene: TUBGCP6 (tubulin gamma complex component 6; minus strand). Cytogenetic location: 22q13.33.
Variant type: single nucleotide variant.
Coding change: c.2570G>T on transcript NM_020461.4 (MANE Select); coding-DNA position 2570, G replaced by T.
Protein change: p.Gly857Val; replaces glycine 857 with valine.
Molecular consequence: missense variant.
Genome position (GRCh38, 1-based): chr22:50,221,789, C>A on the plus strand (G>T on the coding strand, the complement: TUBGCP6 is on the minus strand). VCF-style: chr22-50221789-C-A. GRCh37 (hg19) VCF-style: chr22-50660218-C-A.
Other names: c.2570G>T (NM_020461.3); short protein forms G857V.
Identifiers: ClinVar variation 1026759 (VCV001026759.5), dbSNP rs764990581, ClinGen allele CA10308161.

ClinVar aggregate classification (germline): Uncertain significance. Review status: criteria provided, multiple submitters, no conflicts (2 of 4 stars). 2 submissions from 2 submitters: Uncertain significance (2). Last evaluated 2025-04-30.

Conditions:
Inborn genetic diseases. Identifiers: MedGen C0950123, MeSH D030342.

Allele frequency attached by ClinVar (database versions not stated): ExAC 0.00001; gnomAD 0.00001; gnomAD exomes 0.00001 and 0.00002; TOPMed 0.00003.

Submissions (2):

Ambry Genetics
Classification: Uncertain significance for Inborn genetic diseases. Last evaluated: 2025-04-30. Review status: criteria provided, single submitter. Criteria: Ambry Variant Classification Scheme 2023. Collection method: clinical testing. Allele origin: germline.

Labcorp Genetics (formerly Invitae), Labcorp
Classification: Uncertain significance. Last evaluated: 2024-01-18. Review status: criteria provided, single submitter. Criteria: Invitae Variant Classification Sherloc (09022015). Collection method: clinical testing. Allele origin: germline.
Comment: This sequence change replaces glycine, which is neutral and non-polar, with valine, which is neutral and non-polar, at codon 857 of the TUBGCP6 protein (p.Gly857Val). The frequency data for this variant in the population databases is considered unreliable, as metrics indicate poor data quality at this position in the gnomAD database. This variant has not been reported in the literature in individuals affected with TUBGCP6-related conditions. ClinVar contains an entry for this variant (Variation ID: 1026759). An algorithm developed to predict the effect of missense changes on protein structure and function (PolyPhen-2) suggests that this variant¬†is likely to be tolerated. In summary, the available evidence is currently insufficient to determine the role of this variant in disease. Therefore, it has been classified as a Variant of Uncertain Significance.